The following is an entry in ClinVar:

ClinVar aggregate classification (germline): Likely benign (0 of 4 stars; one submission).

Conditions:
TDRD9-related disorder. Also called: TDRD9-related condition.

Allele frequency attached by ClinVar (database versions not stated): TOPMed below 0.00001.

Submission:

PreventionGenetics, part of Exact Sciences
Classification: Likely benign for TDRD9-related condition. Last evaluated: 2019-03-20. Review status: no assertion criteria provided. Collection method: clinical testing. Allele origin: germline.
Comment: This variant is classified as likely benign based on ACMG/AMP sequence variant interpretation guidelines (Richards et al. 2015 PMID: 25741868, with internal and published modifications).

NM_153046.3(TDRD9):c.144C>T (p.Pro48=)

Gene: TDRD9 (tudor domain containing 9; plus strand). Cytogenetic location: 14q32.33.
Variant type: single nucleotide variant.
Coding change: c.144C>T on transcript NM_153046.3 (MANE Select); coding-DNA position 144, C replaced by T.
Protein change: p.Pro48=; no amino-acid change (proline 48 retained).
Molecular consequence: synonymous variant.
Genome position (GRCh38, 1-based): chr14:103,928,653, C>T. VCF-style: chr14-103928653-C-T. GRCh37 (hg19) VCF-style: chr14-104394990-C-T.
Identifiers: ClinVar variation 3045991 (VCV003045991.2), dbSNP rs867213957, ClinGen allele CA267427196.
Genomic context (GRCh38, chr14:103,928,653, plus strand): 5'-GCCGCCCGCCTTCCCGGCAGGGGCGGCCAGGGAGGAGGTGCAGCGCCAGGACGTGGCCCC[C>T]GGCGCTGGTCCCGCGGCCCAGGCTCCGGCTCTGGCCCAAGCTCCGGCCCGGCCGGCCGCT-3'
Protein context (NP_694591.2, residues 38-58): REEVQRQDVA[Pro48=]GAGPAAQAPA